The following is an entry in ClinVar:

NM_001042492.3(NF1):c.4054A>T (p.Ser1352Cys)

Gene: NF1 (neurofibromin 1; plus strand). Cytogenetic location: 17q11.2.
Variant type: single nucleotide variant.
Coding change: c.4054A>T on transcript NM_001042492.3 (MANE Select); coding-DNA position 4054, A replaced by T.
Protein change: p.Ser1352Cys; replaces serine 1352 with cysteine.
Molecular consequence: missense variant.
Genome position (GRCh38, 1-based): chr17:31,249,063, A>T. VCF-style: chr17-31249063-A-T. GRCh37 (hg19) VCF-style: chr17-29576081-A-T.
Other names: c.4054A>T, p.Ser1352Cys (NM_000267.4); short protein forms S1352C.
Identifiers: ClinVar variation 457676 (VCV000457676.13), dbSNP rs1337343400, ClinGen allele CA398994986.

ClinVar aggregate classification (germline): Conflicting classifications of pathogenicity. Review status: criteria provided, conflicting classifications (1 of 4 stars). 3 submissions from 3 submitters: Uncertain significance (2); Likely benign (1). Last evaluated 2024-10-13.

Conditions:
Cardiovascular phenotype. Identifiers: MedGen CN230736.
Hereditary cancer-predisposing syndrome. Also called: Hereditary Cancer Syndrome; Hereditary neoplastic syndrome; Tumor predisposition; Neoplastic Syndromes, Hereditary. Identifiers: Orphanet 140162, MedGen C0027672, MeSH D009386, MONDO:0015356.
Neurofibromatosis, type 1 (NF1). Also called: VON RECKLINGHAUSEN DISEASE; NEUROFIBROMATOSIS, TYPE I, SOMATIC; Peripheral type neurofibromatosis; Neurofibromatosis, type I. Identifiers: Orphanet 636, MedGen C0027831, MONDO:0018975, OMIM 162200. Disease mechanism: loss of function.

Submissions (3):

Ambry Genetics
Classification: Uncertain significance for Cardiovascular phenotype; Hereditary cancer-predisposing syndrome. Last evaluated: 2024-10-13. Review status: criteria provided, single submitter. Criteria: Ambry Variant Classification Scheme 2023. Collection method: clinical testing. Allele origin: germline.
Comment: The p.S1352C variant (also known as c.4054A>T), located in coding exon 30 of the NF1 gene, results from an A to T substitution at nucleotide position 4054. The serine at codon 1352 is replaced by cysteine, an amino acid with dissimilar properties. This amino acid position is not well conserved in available vertebrate species. In addition, the in silico prediction for this alteration is inconclusive. Since supporting evidence is limited at this time, the clinical significance of this alteration remains unclear.

Labcorp Genetics (formerly Invitae), Labcorp
Classification: Likely benign for Neurofibromatosis, type 1. Last evaluated: 2024-04-22. Review status: criteria provided, single submitter. Criteria: Invitae Variant Classification Sherloc (09022015). Collection method: clinical testing. Allele origin: germline.

Genome-Nilou Lab
Classification: Uncertain significance for Neurofibromatosis, type 1. Last evaluated: 2022-03-15. Review status: criteria provided, single submitter. Criteria: ACMG Guidelines, 2015. Collection method: clinical testing. Allele origin: germline. Affected: no.